The following is an entry in ClinVar:

NM_003070.5(SMARCA2):c.4300A>G (p.Lys1434Glu)

Gene: SMARCA2 (SWI/SNF related BAF chromatin remodeling complex subunit ATPase 2; plus strand). Cytogenetic location: 9p24.3.
Variant type: single nucleotide variant.
Coding change: c.4300A>G on transcript NM_003070.5 (MANE Select); coding-DNA position 4300, A replaced by G.
Protein change: p.Lys1434Glu; replaces lysine 1434 with glutamic acid.
Molecular consequence: missense variant.
Genome position (GRCh38, 1-based): chr9:2,181,617, A>G. VCF-style: chr9-2181617-A-G. GRCh37 (hg19) VCF-style: chr9-2181617-A-G.
Other names: c.4300A>G, p.Lys1434Glu (NM_001289396.2); c.4072A>G, p.Lys1358Glu (NM_001289397.2); c.274A>G, p.Lys92Glu (NM_001289398.2); c.358A>G, p.Lys120Glu (NM_001289399.2); c.364A>G, p.Lys122Glu (NM_001289400.2); c.4246A>G, p.Lys1416Glu (NM_139045.4); short protein forms K120E, K122E, K1358E, K1416E, K1434E, K92E.
Identifiers: ClinVar variation 1723807 (VCV001723807.2), dbSNP rs2537584828, ClinGen allele CA372789705.

ClinVar aggregate classification (germline): Uncertain significance (1 of 4 stars; one submission).

Submission:

GeneDx
Classification: Uncertain significance. Last evaluated: 2022-05-10. Review status: criteria provided, single submitter. Criteria: GeneDx Variant Classification Process June 2021. Collection method: clinical testing. Allele origin: germline. Affected: yes.
Comment: Not observed at significant frequency in large population cohorts (gnomAD); In silico analysis supports that this missense variant has a deleterious effect on protein structure/function; Has not been previously published as pathogenic or benign to our knowledge